The following is an entry in ClinVar:

NM_001723.7(DST):c.6779G>A (p.Gly2260Asp)

Gene: DST (dystonin; minus strand). Cytogenetic location: 6p12.1.
Variant type: single nucleotide variant.
Coding change: c.6779G>A on transcript NM_001723.7 (MANE Plus Clinical); coding-DNA position 6779, G replaced by A.
Protein change: p.Gly2260Asp; replaces glycine 2260 with aspartic acid.
Molecular consequence: missense variant. On other transcripts: intron variant (10).
Genome position (GRCh38, 1-based): chr6:56,616,688, C>T on the plus strand (G>A on the coding strand, the complement: DST is on the minus strand). VCF-style: chr6-56616688-C-T. GRCh37 (hg19) VCF-style: chr6-56481486-C-T.
Other names: c.4831-2204G>A (NM_001144769.5); c.4930-2204G>A (NM_001374722.1, NM_001374736.1); c.4957-2204G>A (NM_001374734.1); c.4417-2204G>A (NM_001144770.2); c.4297-2204G>A (NM_001374730.1, NM_001386100.1, NM_183380.4 and 1 more transcripts); c.3319-2204G>A (NM_015548.5); short protein forms G2260D.
Identifiers: ClinVar variation 854986 (VCV000854986.10), dbSNP rs865855414, ClinGen allele CA139207850.
Genomic context (GRCh38, chr6:56,616,688, plus strand): 5'-TGTAAGATGGCATTATTCAACAACCCCTGCTGCAGAGCAATTTCTGGAGGAACACGAATG[C>T]CTCTCACAGGGTCAATGACACCCCCACTGGCAATCTGGGCTTCCAAGATATGTTTACCTT-3'
Protein context (NP_001714.1, residues 2250-2270): ASGGVIDPVR[Gly2260Asp]IRVPPEIALQ

ClinVar aggregate classification (germline): Uncertain significance (1 of 4 stars; one submission).

Conditions:
Hereditary sensory and autonomic neuropathy type 6. Also called: HSAN VI; Neuropathy, hereditary sensory and autonomic, type VI. Identifiers: Orphanet 314381, MedGen C3539003, MONDO:0013839, OMIM 614653.
Epidermolysis bullosa simplex 3, localized or generalized intermediate, with BP230 deficiency (EBS3). Also called: Epidermolysis bullosa simplex due to BP230 deficiency; Epidermolysis bullosa simplex, autosomal recessive 2. Identifiers: Orphanet 412181, MedGen C3809470, MONDO:0014180, OMIM 615425.

Allele frequency attached by ClinVar (database versions not stated): gnomAD exomes below 0.00001; TOPMed below 0.00001; gnomAD 0.00002.
gnomAD v4.1: 6 of 1,614,048 alleles (0.00037%); highest among the groups gnomAD compares: African/African-American, 0.0067%; no homozygotes.

Submission:

Labcorp Genetics (formerly Invitae), Labcorp
Classification: Uncertain significance for Epidermolysis bullosa simplex 3, localized or generalized intermediate, with BP230 deficiency; Hereditary sensory and autonomic neuropathy type 6. Last evaluated: 2023-10-03. Review status: criteria provided, single submitter. Criteria: Invitae Variant Classification Sherloc (09022015). Collection method: clinical testing. Allele origin: germline.
Comment: This sequence change replaces glycine, which is neutral and non-polar, with aspartic acid, which is acidic and polar, at codon 2260 of the DST protein (p.Gly2260Asp). This variant is present in population databases (no rsID available, gnomAD 0.007%). This variant has not been reported in the literature in individuals affected with DST-related conditions. ClinVar contains an entry for this variant (Variation ID: 854986). An algorithm developed to predict the effect of missense changes on protein structure and function (PolyPhen-2) suggests that this variant is likely to be disruptive. In summary, the available evidence is currently insufficient to determine the role of this variant in disease. Therefore, it has been classified as a Variant of Uncertain Significance.